The following is an entry in ClinVar:

ClinVar aggregate classification (germline): Benign. Review status: reviewed by expert panel (3 of 4 stars). 36 submissions from 35 submitters: Benign (1). 35 of the submissions do not count toward it. Last evaluated 2015-08-10.

Conditions:
Hereditary cancer-predisposing syndrome. Also called: Neoplastic Syndromes, Hereditary; Tumor predisposition; Hereditary Cancer Syndrome; Hereditary neoplastic syndrome. Identifiers: Orphanet 140162, MedGen C0027672, MeSH D009386, MONDO:0015356.
Inherited breast cancer and ovarian cancer.
Breast and/or ovarian cancer. Identifiers: MedGen CN221562.
BRCA2-related disorder. Also called: BRCA2-related condition; BRCA2-related disorders. Identifiers: MedGen CN239275.
Hereditary breast ovarian cancer syndrome. Also called: Hereditary breast and ovarian cancer; Breast and ovarian cancer; Hereditary breast and/or ovarian cancer syndrome; Hereditary breast and ovarian cancer syndrome (HBOC); Hereditary breast and ovarian cancer syndrome; BRCA1- and BRCA2-Associated Hereditary Breast and Ovarian Cancer. Identifiers: Orphanet 145, MedGen C0677776, MeSH D061325, MONDO:0003582. Disease mechanism: loss of function.
Breast-ovarian cancer, familial, susceptibility to, 2 (BROVCA2). Also called: BRCA2 Hereditary Breast and Ovarian Cancer. Identifiers: Orphanet 145, MedGen C2675520, MONDO:0012933, OMIM 612555. Disease mechanism: loss of function.
Fanconi anemia complementation group D1. Also called: BRCA2-Related Fanconi Anemia. Identifiers: Orphanet 319462, MedGen C1838457, MONDO:0011584, OMIM 605724.

Allele frequency attached by ClinVar (database versions not stated): gnomAD exomes 0.00039 and 0.00067; ExAC 0.00042; TOPMed 0.00043; gnomAD 0.00044 and 0.00046; ESP Exome Variant Server 0.00046; 1000 Genomes Project 30x 0.00047; 1000 Genomes Project 0.00060.
gnomAD v4.1: 1,062 of 1,613,772 alleles (0.066%); highest among the groups gnomAD compares: Middle Eastern, 0.083%; 1 homozygote.

Submissions 1 to 19 of 37:

Evidence-based Network for the Interpretation of Germline Mutant Alleles (ENIGMA)
Classification: Benign for Breast-ovarian cancer, familial 2. Last evaluated: 2015-08-10. Review status: reviewed by expert panel. Criteria: ENIGMA BRCA1/2 Classification Criteria (2015). Collection method: curation. Allele origin: germline.
Comment: IARC class based on posterior probability from multifactorial likelihood analysis, thresholds for class as per Plon et al. 2008 (PMID: 18951446). Class 1 based on posterior probability = 0.000000000166

Cambridge Genomics Laboratory, East Genomic Laboratory Hub, NHS Genomic Medicine Service
Classification: Benign for Inherited breast cancer and ovarian cancer. Last evaluated: 2026-09-04. Review status: criteria provided, single submitter. Criteria: ACGS Best Practice Guidelines for Variant Classification in Rare Disease 2020. Collection method: clinical testing. Allele origin: germline. Affected: yes. Not counted in ClinVar's aggregate classification.
Comment: BS3_Strong,BS1_Strong,BP1_Strong,BP5_Very Strong

Labcorp Genetics (formerly Invitae), Labcorp
Classification: Benign for Hereditary breast ovarian cancer syndrome. Last evaluated: 2026-02-04. Review status: criteria provided, single submitter. Criteria: Invitae Variant Classification Sherloc (09022015). Collection method: clinical testing. Allele origin: germline. Not counted in ClinVar's aggregate classification.

Center for Genomic Medicine, Rigshospitalet, Copenhagen University Hospital
Classification: Benign. Last evaluated: 2025-03-04. Review status: criteria provided, single submitter. Criteria: ACMG Guidelines, 2015. Collection method: clinical testing. Allele origin: germline. Not counted in ClinVar's aggregate classification.

Blueprint Genetics
Classification: Likely benign. Last evaluated: 2024-11-21. Review status: criteria provided, single submitter. Criteria: ACMG Guidelines, 2015. Collection method: clinical testing. Allele origin: germline. Not counted in ClinVar's aggregate classification.

ARUP Laboratories, Molecular Genetics and Genomics, ARUP Laboratories
Classification: Benign. Last evaluated: 2024-10-29. Review status: criteria provided, single submitter. Criteria: ARUP Molecular Germline Variant Investigation Process 2024. Collection method: clinical testing. Allele origin: germline. Not counted in ClinVar's aggregate classification.

CeGaT Center for Human Genetics Tuebingen
Classification: Benign. Last evaluated: 2024-09-01. Review status: criteria provided, single submitter. Criteria: CeGaT Center For Human Genetics Tuebingen Variant Classification Criteria Version 2. Collection method: clinical testing. Allele origin: germline. Affected: yes. Observed: 4 variant alleles. Not counted in ClinVar's aggregate classification.
Comment: BRCA2: BS1, BS2

All of Us Research Program, National Institutes of Health
Classification: Likely benign for Breast-ovarian cancer, familial, susceptibility to, 2. Last evaluated: 2024-01-11. Review status: criteria provided, single submitter. Criteria: ACMG Guidelines, 2015. Collection method: clinical testing. Allele origin: germline. Inheritance: Autosomal dominant inheritance. Observed: 106 variant alleles, 106 heterozygotes. Not counted in ClinVar's aggregate classification.
Comment: This study involves interpretation of variants in research participants for the purpose of population health screening. Participant phenotype was not available at the time of variant classification. Additional details can be found in publication PMID: 35346344, PMCID: PMC8962531

CHEO Genetics Diagnostic Laboratory, Children's Hospital of Eastern Ontario
Classification: Likely benign for Breast and/or ovarian cancer. Last evaluated: 2023-04-25. Review status: criteria provided, single submitter. Criteria: ACMG Guidelines, 2015. Collection method: clinical testing. Allele origin: germline. Not counted in ClinVar's aggregate classification.

Genetic Services Laboratory, University of Chicago
Classification: Likely benign. Last evaluated: 2021-10-26. Review status: criteria provided, single submitter. Criteria: ACMG Guidelines, 2015. Collection method: clinical testing. Allele origin: germline. Affected: no. Not counted in ClinVar's aggregate classification.

St. Jude Molecular Pathology, St. Jude Children's Research Hospital
Classification: Benign for Hereditary breast ovarian cancer syndrome. Last evaluated: 2021-08-04. Review status: criteria provided, single submitter. Criteria: St. Jude Assertion Criteria 2020. Collection method: clinical testing. Allele origin: germline. Not counted in ClinVar's aggregate classification.

Sema4
Classification: Likely benign for Hereditary cancer-predisposing syndrome. Last evaluated: 2021-05-06. Review status: criteria provided, single submitter. Criteria: Sema4 Curation Guidelines. Collection method: curation. Allele origin: germline. Not counted in ClinVar's aggregate classification.

GeneDx
Classification: Likely benign. Last evaluated: 2020-10-23. Review status: criteria provided, single submitter. Criteria: GeneDx Variant Classification Process June 2021. Collection method: clinical testing. Allele origin: germline. Affected: yes. Not counted in ClinVar's aggregate classification.
Comment: This variant is associated with the following publications: (PMID: 19471317, 11447276, 11873550, 26332594, 28651617, 28324225, 24323938, 25896959, 20694749, 22811390, 24055113, 21520273, 25637381, 25782689, 23231788, 20104584, 23034506, 15983021, 10551859, 19747923, 12442171, 21990134, 27741520, 27153395, 27376475, 28283652, 17924331, 29356034, 32426482, 32846166)

Illumina Laboratory Services, Illumina
Classification: Likely benign for Fanconi anemia complementation group D1. Last evaluated: 2019-09-23. Review status: criteria provided, single submitter. Criteria: ICSL Variant Classification Criteria 13 December 2019. Collection method: clinical testing. Allele origin: germline. Not counted in ClinVar's aggregate classification.
Comment: This variant was observed as part of a predisposition screen in an ostensibly healthy population. A literature search was performed for the gene, cDNA change, and amino acid change (where applicable). No publications were found based on this search. Allele frequency data from public databases allowed determination this variant is unlikely to cause disease. Therefore, this variant is classified as likely benign.

Illumina Laboratory Services, Illumina
Classification: Likely benign for Breast-ovarian cancer, familial, susceptibility to, 2. Last evaluated: 2019-09-23. Review status: criteria provided, single submitter. Criteria: ICSL Variant Classification Criteria 13 December 2019. Collection method: clinical testing. Allele origin: germline. Not counted in ClinVar's aggregate classification.
Comment: This variant was observed as part of a predisposition screen in an ostensibly healthy population. A literature search was performed for the gene, cDNA change, and amino acid change (where applicable). Publications were found based on this search. The evidence from the literature, in combination with allele frequency data from public databases where available, was sufficient to determine this variant is unlikely to cause disease. Therefore, this variant is classified as likely benign.

Mendelics
Classification: Likely benign for Breast-ovarian cancer, familial, susceptibility to, 2. Last evaluated: 2019-05-28. Review status: criteria provided, single submitter. Criteria: Mendelics Assertion Criteria 2017. Collection method: clinical testing. Allele origin: unknown. Not counted in ClinVar's aggregate classification.

Molecular Genetics Laboratory, University of Michigan
Classification: Likely benign for Breast-ovarian cancer, familial, susceptibility to, 2. Last evaluated: 2016-04-21. Review status: criteria provided, single submitter. Criteria: ACMG Guidelines, 2015. Collection method: clinical testing. Allele origin: germline. Affected: yes. Not counted in ClinVar's aggregate classification.

Laboratory for Molecular Medicine, Mass General Brigham Personalized Medicine
Classification: Uncertain significance. Last evaluated: 2016-03-28. Review status: criteria provided, single submitter. Criteria: LMM Criteria. Collection method: clinical testing. Allele origin: germline. Not counted in ClinVar's aggregate classification.
Comment: Variant identified in a genome or exome case(s) and assessed due to predicted null impact of the variant or pathogenic assertions in the literature or databases. Disclaimer: This variant has not undergone full assessment. The following are preliminary notes: ExAC: 0.1%(42/66226) European; ClinVar: 8 B/LB

Clinical Genetics DNA and cytogenetics Diagnostics Lab, Erasmus MC, Erasmus Medical Center
Classification: Benign for Breast-ovarian cancer, familial, susceptibility to, 2. Last evaluated: 2015-09-21. Review status: criteria provided, single submitter. Criteria: ACGS Guidelines, 2013. Collection method: clinical testing. Allele origin: germline. Affected: yes. Study: VKGL Data-share Consensus. Not counted in ClinVar's aggregate classification.

NM_000059.4(BRCA2):c.4585G>A (p.Gly1529Arg)

Gene: BRCA2 (BRCA2 DNA repair associated; plus strand). Cytogenetic location: 13q13.1.
Variant type: single nucleotide variant.
Coding change: c.4585G>A on transcript NM_000059.4 (MANE Select); coding-DNA position 4585, G replaced by A.
Protein change: p.Gly1529Arg; replaces glycine 1529 with arginine.
Molecular consequence: missense variant.
Genome position (GRCh38, 1-based): chr13:32,338,940, G>A. VCF-style: chr13-32338940-G-A. GRCh37 (hg19) VCF-style: chr13-32913077-G-A.
Other names: p.G1529R:GGG>AGG; 4813G>A; short protein forms G1529R.
Identifiers: ClinVar variation 37910 (VCV000037910.82), dbSNP rs28897728, ClinGen allele CA020492.